The following is an entry in ClinVar:

ClinVar aggregate classification (germline): Uncertain significance (1 of 4 stars; one submission).

Allele frequency attached by ClinVar (database versions not stated): ExAC 0.00001; TOPMed 0.00004; gnomAD 0.00008.
gnomAD v4.1: 18 of 1,606,682 alleles (0.0011%); highest among the groups gnomAD compares: African/African-American, 0.023%; no homozygotes.

Submission:

Labcorp Genetics (formerly Invitae), Labcorp
Classification: Uncertain significance. Last evaluated: 2022-09-19. Review status: criteria provided, single submitter. Criteria: Invitae Variant Classification Sherloc (09022015). Collection method: clinical testing. Allele origin: germline.
Comment: In summary, the available evidence is currently insufficient to determine the role of this variant in disease. Therefore, it has been classified as a Variant of Uncertain Significance. Variants that disrupt the consensus splice site are a relatively common cause of aberrant splicing (PMID: 17576681, 9536098). Algorithms developed to predict the effect of sequence changes on RNA splicing suggest that this variant is not likely to affect RNA splicing. ClinVar contains an entry for this variant (Variation ID: 1000739). This variant has not been reported in the literature in individuals affected with RIMS1-related conditions. This variant is present in population databases (rs774534544, gnomAD 0.03%). This sequence change falls in intron 23 of the RIMS1 gene. It does not directly change the encoded amino acid sequence of the RIMS1 protein. It affects a nucleotide within the consensus splice site.

Literature cited by the submitters: PubMed 17576681; PubMed 9536098.

NM_014989.7(RIMS1):c.3482+6A>G

Gene: RIMS1 (regulating synaptic membrane exocytosis 1; plus strand). Cytogenetic location: 6q13.
Variant type: single nucleotide variant.
Coding change: c.3482+6A>G on transcript NM_014989.7 (MANE Select); 6 bases into the intron after coding-DNA position 3482, A replaced by G.
Molecular consequence: intron variant.
Genome position (GRCh38, 1-based): chr6:72,274,438, A>G. VCF-style: chr6-72274438-A-G. GRCh37 (hg19) VCF-style: chr6-72984141-A-G.
Other names: c.1559+8389A>G (NM_001350428.2, NM_001350459.2, NM_001350424.2 and 1 more transcripts); c.1640+6A>G (NM_001350437.2); c.1556+8389A>G (NM_001350430.2, NM_001350421.2, NM_001350450.2); c.1706+8389A>G (NM_001350458.2); c.1712+6A>G (NM_001350433.2); c.1628+8389A>G (NM_001350446.2, NM_001350442.2, NM_001350416.2 and 7 more transcripts); c.1539-9609A>G (NM_001350431.2); c.1565+8389A>G (NM_001350457.2); and 20 more.
Identifiers: ClinVar variation 1000739 (VCV001000739.10), dbSNP rs774534544, ClinGen allele CA3886257.